The following is an entry in ClinVar:

ClinVar aggregate classification (germline): Uncertain significance (1 of 4 stars; one submission).

Conditions:
MOGS-congenital disorder of glycosylation. Also called: MOGS-CDG; CDG IIb; GLUCOSIDASE I DEFICIENCY; CDG 2B. Identifiers: Orphanet 79330, MedGen C1853736, MONDO:0011629, OMIM 606056.

Submission:

Labcorp Genetics (formerly Invitae), Labcorp
Classification: Uncertain significance for MOGS-congenital disorder of glycosylation. Last evaluated: 2024-11-11. Review status: criteria provided, single submitter. Criteria: Invitae Variant Classification Sherloc (09022015). Collection method: clinical testing. Allele origin: germline.
Comment: This sequence change replaces serine, which is neutral and polar, with asparagine, which is neutral and polar, at codon 235 of the MOGS protein (p.Ser235Asn). This variant is not present in population databases (gnomAD no frequency). This variant has not been reported in the literature in individuals affected with MOGS-related conditions. ClinVar contains an entry for this variant (Variation ID: 2135458). Invitae Evidence Modeling of protein sequence and biophysical properties (such as structural, functional, and spatial information, amino acid conservation, physicochemical variation, residue mobility, and thermodynamic stability) indicates that this missense variant is not expected to disrupt MOGS protein function with a negative predictive value of 80%. In summary, the available evidence is currently insufficient to determine the role of this variant in disease. Therefore, it has been classified as a Variant of Uncertain Significance.

NM_006302.3(MOGS):c.704G>A (p.Ser235Asn)

Gene: MOGS (mannosyl-oligosaccharide glucosidase; minus strand). Cytogenetic location: 2p13.1.
Variant type: single nucleotide variant.
Coding change: c.704G>A on transcript NM_006302.3 (MANE Select); coding-DNA position 704, G replaced by A.
Protein change: p.Ser235Asn; replaces serine 235 with asparagine.
Molecular consequence: missense variant.
Genome position (GRCh38, 1-based): chr2:74,463,262, C>T on the plus strand (G>A on the coding strand, the complement: MOGS is on the minus strand). VCF-style: chr2-74463262-C-T. GRCh37 (hg19) VCF-style: chr2-74690389-C-T.
Other names: c.386G>A, p.Ser129Asn (NM_001146158.2); short protein forms S129N, S235N.
Identifiers: ClinVar variation 2135458 (VCV002135458.4), dbSNP rs1671980215, ClinGen allele CA347379742.